The following is an entry in ClinVar:

NM_001144967.3(NEDD4L):c.2834G>A (p.Arg945His)

Gene: NEDD4L (NEDD4 like E3 ubiquitin protein ligase; plus strand). Cytogenetic location: 18q21.31.
Variant type: single nucleotide variant.
Coding change: c.2834G>A on transcript NM_001144967.3 (MANE Select); coding-DNA position 2834, G replaced by A.
Protein change: p.Arg945His; replaces arginine 945 with histidine.
Molecular consequence: missense variant.
Genome position (GRCh38, 1-based): chr18:58,396,175, G>A. VCF-style: chr18-58396175-G-A. GRCh37 (hg19) VCF-style: chr18-56063407-G-A.
Other names: c.2471G>A, p.Arg824His (NM_001144964.1, NM_001144965.2, NM_001144966.3); c.2810G>A, p.Arg937His (NM_001144968.2); c.2750G>A, p.Arg917His (NM_001144969.2); c.2411G>A, p.Arg804His (NM_001144970.3, NM_001144971.2); c.2642G>A, p.Arg881His (NM_001243960.2); c.2774G>A, p.Arg925His (NM_015277.6); short protein forms R804H, R881H, R917H, R824H, R945H, R925H, R937H.
Identifiers: ClinVar variation 3662736 (VCV003662736.3).
Genomic context (GRCh38, chr18:58,396,175, plus strand): 5'-TCGAGGAAGTGCTGTTGTGGCTTTTCACCTACACTTTTTGTTCCTTTTGCAGCTTTAATC[G>A]CCTTGACTTACCTCCATATGAAACCTTTGAAGATTTACGAGAGAAACTTCTCATGGCCGT-3'
Protein context (NP_001138439.1, residues 935-955): KLPRAHTCFN[Arg945His]LDLPPYETFE

ClinVar aggregate classification (germline): Uncertain significance. Review status: criteria provided, multiple submitters, no conflicts (2 of 4 stars). 2 submissions from 2 submitters: Uncertain significance (2). Last evaluated 2024-08-18.

gnomAD v4.1: 1 of 1,611,790 alleles (0.000062%); no homozygotes.

Submissions (2):

Labcorp Genetics (formerly Invitae), Labcorp
Classification: Uncertain significance. Last evaluated: 2024-08-18. Review status: criteria provided, single submitter. Criteria: Invitae Variant Classification Sherloc (09022015). Collection method: clinical testing. Allele origin: germline.
Comment: This sequence change replaces arginine, which is basic and polar, with histidine, which is basic and polar, at codon 925 of the NEDD4L protein (p.Arg925His). This variant is not present in population databases (gnomAD no frequency). This variant has not been reported in the literature in individuals affected with NEDD4L-related conditions. Invitae Evidence Modeling of protein sequence and biophysical properties (such as structural, functional, and spatial information, amino acid conservation, physicochemical variation, residue mobility, and thermodynamic stability) indicates that this missense variant is expected to disrupt NEDD4L protein function with a positive predictive value of 80%. In summary, the available evidence is currently insufficient to determine the role of this variant in disease. Therefore, it has been classified as a Variant of Uncertain Significance.

Blueprint Genetics
Classification: Uncertain significance. Last evaluated: 2024-07-26. Review status: criteria provided, single submitter. Criteria: ACMG Guidelines, 2015. Collection method: clinical testing. Allele origin: germline.